The following is an entry in ClinVar:

ClinVar aggregate classification (germline): Uncertain significance. Review status: criteria provided, multiple submitters, no conflicts (2 of 4 stars). 3 submissions from 3 submitters: Uncertain significance (3). Last evaluated 2025-07-29.

Allele frequency attached by ClinVar (database versions not stated): ExAC 0.00013; gnomAD exomes 0.00016; ESP Exome Variant Server 0.00023; TOPMed 0.00006; gnomAD 0.00008.
gnomAD v4.1: 247 of 1,613,536 alleles (0.015%); highest among the groups gnomAD compares: Non-Finnish European, 0.018%; no homozygotes.

Submissions (3):

Women's Health and Genetics/Laboratory Corporation of America, LabCorp
Classification: Uncertain significance. Last evaluated: 2025-07-29. Review status: criteria provided, single submitter. Criteria: LabCorp Variant Classification Summary - May 2015. Collection method: clinical testing. Allele origin: germline.
Comment: Variant summary: OCA2 c.1556T>C (p.Val519Ala) results in a non-conservative amino acid change in the encoded protein sequence. Algorithms developed to predict the effect of missense changes on protein structure and function all suggest that this variant is likely to be disruptive. The variant allele was found at a frequency of 8.4e-05 in 251386 control chromosomes (gnomAD). This frequency is not significantly higher than estimated for a pathogenic variant in OCA2 causing Tyrosinase-Positive Oculocutaneous Albinism, allowing no conclusion about variant significance. c.1556T>C has been observed in individuals affected with Oculocutaneous Albinism (Oetting_2005, Grnskov_2008, Kessel_2021). These reports do not provide unequivocal conclusions about association of the variant with Tyrosinase-Positive Oculocutaneous Albinism. To our knowledge, no experimental evidence demonstrating an impact on protein function has been reported. The following publications have been ascertained in the context of this evaluation (PMID: 19060277, 33612058, 15712365). ClinVar contains an entry for this variant (Variation ID: 2137634). Based on the evidence outlined above, the variant was classified as uncertain significance.

Labcorp Genetics (formerly Invitae), Labcorp
Classification: Uncertain significance. Last evaluated: 2024-06-06. Review status: criteria provided, single submitter. Criteria: Invitae Variant Classification Sherloc (09022015). Collection method: clinical testing. Allele origin: germline.
Comment: This sequence change replaces valine, which is neutral and non-polar, with alanine, which is neutral and non-polar, at codon 519 of the OCA2 protein (p.Val519Ala). This variant is present in population databases (rs41446944, gnomAD 0.02%). This missense change has been observed in individual(s) with oculocutaneous albinism (PMID: 15712365, 19060277). ClinVar contains an entry for this variant (Variation ID: 2137634). Advanced modeling of protein sequence and biophysical properties (such as structural, functional, and spatial information, amino acid conservation, physicochemical variation, residue mobility, and thermodynamic stability) performed at Invitae indicates that this missense variant is not expected to disrupt OCA2 protein function with a negative predictive value of 80%. In summary, the available evidence is currently insufficient to determine the role of this variant in disease. Therefore, it has been classified as a Variant of Uncertain Significance.

Blueprint Genetics
Classification: Uncertain significance. Last evaluated: 2023-07-18. Review status: criteria provided, single submitter. Criteria: ACMG Guidelines, 2015. Collection method: clinical testing. Allele origin: germline.

Literature cited by the submitters: PubMed 19060277 (cited by Women's Health and Genetics/Laboratory Corporation of America, LabCorp and Labcorp Genetics (formerly Invitae), Labcorp); PubMed 33612058 (cited by Women's Health and Genetics/Laboratory Corporation of America, LabCorp); PubMed 15712365 (cited by Women's Health and Genetics/Laboratory Corporation of America, LabCorp and Labcorp Genetics (formerly Invitae), Labcorp).

NM_000275.3(OCA2):c.1556T>C (p.Val519Ala)

Gene: OCA2 (OCA2 melanosomal transmembrane protein; minus strand). Cytogenetic location: 15q13.1.
Variant type: single nucleotide variant.
Coding change: c.1556T>C on transcript NM_000275.3 (MANE Select); coding-DNA position 1556, T replaced by C.
Protein change: p.Val519Ala; replaces valine 519 with alanine.
Molecular consequence: missense variant.
Genome position (GRCh38, 1-based): chr15:27,966,770, A>G on the plus strand (T>C on the coding strand, the complement: OCA2 is on the minus strand). VCF-style: chr15-27966770-A-G. GRCh37 (hg19) VCF-style: chr15-28211916-A-G.
Other names: c.1484T>C, p.Val495Ala (NM_001300984.2); short protein forms V519A, V495A.
Identifiers: ClinVar variation 2137634 (VCV002137634.4), dbSNP rs41446944, ClinGen allele CA7438991.